The following is an entry in ClinVar:

NM_152564.5(VPS13B):c.1527del (p.Arg510fs)

Gene: VPS13B (vacuolar protein sorting 13 homolog B; plus strand). Cytogenetic location: 8q22.2.
Variant type: Deletion.
Coding change: c.1527del on transcript NM_152564.5 (MANE Select); coding-DNA position 1527, one base deleted (T; older notation c.1527delT).
Protein change: p.Arg510fs; shifts the reading frame from arginine 510.
Molecular consequence: frameshift variant.
Genome position (GRCh38, 1-based): chr8:99,135,697, T deleted. VCF-style (leftmost placement, unchanged base first): chr8-99135696-CT-C. GRCh37 (hg19) VCF-style: chr8-100147924-CT-C.
Other names: c.1527del, p.Arg510fs (NM_015243.3, NM_017890.5); short protein forms R510fs.
Identifiers: ClinVar variation 1070881 (VCV001070881.7), dbSNP rs2132556766, ClinGen allele CA2499219457.

ClinVar aggregate classification (germline): Pathogenic (1 of 4 stars; one submission).

Conditions:
Cohen syndrome (COH1). Also called: PEPPER SYNDROME; Cutis verticis gyrata, retinitis pigmentosa, and sensorineural deafness. Identifiers: Orphanet 193, MedGen C0265223, MONDO:0008999, OMIM 216550.

Submission:

Labcorp Genetics (formerly Invitae), Labcorp
Classification: Pathogenic for Cohen syndrome. Last evaluated: 2023-05-08. Review status: criteria provided, single submitter. Criteria: Invitae Variant Classification Sherloc (09022015). Collection method: clinical testing. Allele origin: germline.
Comment: This sequence change creates a premature translational stop signal (p.Arg510Alafs*18) in the VPS13B gene. It is expected to result in an absent or disrupted protein product. Loss-of-function variants in VPS13B are known to be pathogenic (PMID: 15141358, 16648375, 20461111). This variant is not present in population databases (gnomAD no frequency). This variant has not been reported in the literature in individuals affected with VPS13B-related conditions. ClinVar contains an entry for this variant (Variation ID: 1070881). For these reasons, this variant has been classified as Pathogenic.

Literature cited by the submitters: PubMed 15141358; PubMed 16648375; PubMed 20461111.